The following is an entry in ClinVar:

ClinVar aggregate classification (germline): Uncertain significance. Review status: criteria provided, multiple submitters, no conflicts (2 of 4 stars). 2 submissions from 2 submitters: Uncertain significance (2). Last evaluated 2026-01-17.

Conditions:
Inborn genetic diseases. Identifiers: MedGen C0950123, MeSH D030342.

gnomAD v4.1: 1 of 1,614,012 alleles (0.000062%); highest among the groups gnomAD compares: Non-Finnish European, 0.000085%; no homozygotes.

Submissions (2):

Labcorp Genetics (formerly Invitae), Labcorp
Classification: Uncertain significance. Last evaluated: 2026-01-17. Review status: criteria provided, single submitter. Criteria: Invitae Variant Classification Sherloc (09022015). Collection method: clinical testing. Allele origin: germline.
Comment: This sequence change replaces valine, which is neutral and non-polar, with isoleucine, which is neutral and non-polar, at codon 1353 of the SPEG protein (p.Val1353Ile). This variant is not present in population databases (gnomAD no frequency). This variant has not been reported in the literature in individuals affected with SPEG-related conditions. ClinVar contains an entry for this variant (Variation ID: 3960900). An algorithm developed to predict the effect of missense changes on protein structure and function outputs the following: PolyPhen-2: "Benign". The isoleucine amino acid residue is found in multiple mammalian species, which suggests that this missense change does not adversely affect protein function. In summary, the available evidence is currently insufficient to determine the role of this variant in disease. Therefore, it has been classified as a Variant of Uncertain Significance.

Ambry Genetics
Classification: Uncertain significance for Inborn genetic diseases. Last evaluated: 2025-04-14. Review status: criteria provided, single submitter. Criteria: Ambry Variant Classification Scheme 2023. Collection method: clinical testing. Allele origin: germline.

NM_005876.5(SPEG):c.4057G>A (p.Val1353Ile)

Gene: SPEG (striated muscle enriched protein kinase; plus strand). Cytogenetic location: 2q35.
Variant type: single nucleotide variant.
Coding change: c.4057G>A on transcript NM_005876.5 (MANE Select); coding-DNA position 4057, G replaced by A.
Protein change: p.Val1353Ile; replaces valine 1353 with isoleucine.
Molecular consequence: missense variant.
Genome position (GRCh38, 1-based): chr2:219,473,006, G>A. VCF-style: chr2-219473006-G-A. GRCh37 (hg19) VCF-style: chr2-220337728-G-A.
Other names: short protein forms V1353I.
Identifiers: ClinVar variation 3960900 (VCV003960900.2).
Genomic context (GRCh38, chr2:219,473,006, plus strand): 5'-ACGGCACTGGTCACAGGCCTGCGGGAGCCAGGGTGGGCAGCCACAGGGCTGCGTAAGGGG[G>A]TCCAGCACATCTTCCGGGTCCTCAGCACCACTGTCAAGAGCAGCAGCAAGCCCTCACCCC-3'
Protein context (NP_005867.3, residues 1343-1363): GWAATGLRKG[Val1353Ile]QHIFRVLSTT